The following continues an entry in ClinVar:

NM_000350.3(ABCA4):c.3113C>T (p.Ala1038Val)

Gene: ABCA4. ClinVar aggregate classification (germline): Pathogenic/Likely pathogenic. Pathogenic (30); Likely pathogenic (6).

Submissions 41 to 50 of 50:

Department of Clinical Genetics, Copenhagen University Hospital, Rigshospitalet
Classification: Pathogenic for Stargardt disease. Last evaluated: 2018-04-01. Review status: no assertion criteria provided. Collection method: research. Allele origin: unknown. Affected: yes. Study: VeluxRD. Not counted in ClinVar's aggregate classification.

Department of Clinical Genetics, Copenhagen University Hospital, Rigshospitalet
Classification: Pathogenic for Retinitis pigmentosa. Last evaluated: 2018-04-01. Review status: no assertion criteria provided. Collection method: research. Allele origin: unknown. Affected: yes. Study: VeluxRD. Not counted in ClinVar's aggregate classification.

Department of Clinical Genetics, Copenhagen University Hospital, Rigshospitalet
Classification: Pathogenic for Macular dystrophy. Last evaluated: 2018-04-01. Review status: no assertion criteria provided. Collection method: research. Allele origin: unknown. Affected: yes. Study: VeluxRD. Not counted in ClinVar's aggregate classification.

Joint Genome Diagnostic Labs from Nijmegen and Maastricht, Radboudumc and MUMC+
Classification: Likely pathogenic for Severe early-childhood-onset retinal dystrophy. Last evaluated: 2016-09-01. Review status: no assertion criteria provided. Collection method: clinical testing. Allele origin: unknown. Affected: yes. Observed: 1 variant allele. Not counted in ClinVar's aggregate classification.

NIHR Bioresource Rare Diseases, University of Cambridge
Classification: Likely pathogenic for Retinal dystrophy. Last evaluated: 2015-01-01. Review status: no assertion criteria provided. Collection method: research. Allele origin: unknown. Affected: yes. Observed: 1 variant allele. Not counted in ClinVar's aggregate classification.

NIHR Bioresource Rare Diseases, University of Cambridge
Classification: Likely pathogenic. Last evaluated: 2015-01-01. Review status: no assertion criteria provided. Collection method: research. Allele origin: unknown. Affected: yes. Observed: 2 variant alleles. Not counted in ClinVar's aggregate classification.

OMIM
Classification: Pathogenic for STARGARDT DISEASE 1. Last evaluated: 2003-06-01. Review status: no assertion criteria provided. Collection method: literature only. Allele origin: germline. Not counted in ClinVar's aggregate classification.

OMIM
Classification: Pathogenic for CONE-ROD DYSTROPHY 3. Last evaluated: 2003-06-01. Review status: no assertion criteria provided. Collection method: literature only. Allele origin: germline. Not counted in ClinVar's aggregate classification.

Ophthalmo-Genetics Lab, Instituto de Oftalmologia Conde de Valenciana
Classification: Likely pathogenic for Severe early-childhood-onset retinal dystrophy. Review status: no assertion criteria provided. Collection method: research. Allele origin: germline. Inheritance: Autosomal recessive inheritance. Affected: yes. Not counted in ClinVar's aggregate classification.

Retina International
No classification provided. Review status: no classification provided. Collection method: not provided. Allele origin: unknown. Not counted in ClinVar's aggregate classification.

Literature cited by the submitters: PubMed 9054934 (cited by 7 submitters); PubMed 9973280 (cited by 3 submitters); PubMed 10206579 (cited by Labcorp Genetics (formerly Invitae), Labcorp); PubMed 16103129 (cited by 7 submitters); PubMed 19217903 (cited by 4 submitters); PubMed 22312191 (cited by 6 submitters); PubMed 24509150 (cited by Labcorp Genetics (formerly Invitae), Labcorp and Institute of Human Genetics, Univ. Regensburg, Univ. Regensburg); PubMed 25712131 (cited by 8 submitters); PubMed 11017087 (cited by 6 submitters); PubMed 19365591 (cited by 3billion); PubMed 35672425 (cited by Women's Health and Genetics/Laboratory Corporation of America, LabCorp); PubMed 29847635 (cited by Women's Health and Genetics/Laboratory Corporation of America, LabCorp and Institute of Human Genetics, Univ. Regensburg, Univ. Regensburg); PubMed 26551331 (cited by Women's Health and Genetics/Laboratory Corporation of America, LabCorp); PubMed 9781034 (cited by Women's Health and Genetics/Laboratory Corporation of America, LabCorp); PubMed 37510321 (cited by Variantyx, Inc.); PubMed 10958763 (cited by 4 submitters); PubMed 10711710 (cited by Variantyx, Inc. and Laboratory for Molecular Medicine, Mass General Brigham Personalized Medicine); PubMed 1017087 (cited by Variantyx, Inc.); PubMed 26593885 (cited by Laboratory for Molecular Medicine, Mass General Brigham Personalized Medicine and Institute of Human Genetics, Univ. Regensburg, Univ. Regensburg); PubMed 10090887 (cited by Laboratory for Molecular Medicine, Mass General Brigham Personalized Medicine); PubMed 9466990 (cited by Laboratory for Molecular Medicine, Mass General Brigham Personalized Medicine and Institute of Human Genetics, Univ. Regensburg, Univ. Regensburg); PubMed 15579991 (cited by 3 submitters); PubMed 30718709 (cited by 4 submitters); PubMed 19074458 (cited by Institute of Human Genetics, Univ. Regensburg, Univ. Regensburg); PubMed 25087612 (cited by Institute of Human Genetics, Univ. Regensburg, Univ. Regensburg); PubMed 25910913 (cited by Institute of Human Genetics, Univ. Regensburg, Univ. Regensburg); PubMed 28041643 (cited by Institute of Human Genetics, Univ. Regensburg, Univ. Regensburg and NIHR Bioresource Rare Diseases, University of Cambridge); PubMed 28224992 (cited by Institute of Human Genetics, Univ. Regensburg, Univ. Regensburg); PubMed 28559085 (cited by Institute of Human Genetics, Univ. Regensburg, Univ. Regensburg); PubMed 29068140 (cited by Institute of Human Genetics, Univ. Regensburg, Univ. Regensburg); PubMed 29555955 (cited by Institute of Human Genetics, Univ. Regensburg, Univ. Regensburg); PubMed 30204727 (cited by Institute of Human Genetics, Univ. Regensburg, Univ. Regensburg); PubMed 30215852 (cited by Institute of Human Genetics, Univ. Regensburg, Univ. Regensburg); PubMed 30093795 (cited by Institute of Human Genetics, Univ. Regensburg, Univ. Regensburg); PubMed 31589614 (cited by Institute of Human Genetics, Univ. Regensburg, Univ. Regensburg); PubMed 30609409 (cited by Institute of Human Genetics, Univ. Regensburg, Univ. Regensburg); PubMed 29925512 (cited by Institute of Human Genetics, Univ. Regensburg, Univ. Regensburg); PubMed 30653986 (cited by Institute of Human Genetics, Univ. Regensburg, Univ. Regensburg); PubMed 30643219 (cited by Institute of Human Genetics, Univ. Regensburg, Univ. Regensburg); PubMed 32619608 (cited by Institute of Human Genetics, Univ. Regensburg, Univ. Regensburg); PubMed 31429209 (cited by Institute of Human Genetics, Univ. Regensburg, Univ. Regensburg); PubMed 31980526 (cited by Institute of Human Genetics, Univ. Regensburg, Univ. Regensburg); PubMed 32307445 (cited by Institute of Human Genetics, Univ. Regensburg, Univ. Regensburg); PubMed 32815999 (cited by Institute of Human Genetics, Univ. Regensburg, Univ. Regensburg); PubMed 31456290 (cited by Institute of Human Genetics, Univ. Regensburg, Univ. Regensburg); PubMed 32581362 (cited by Institute of Human Genetics, Univ. Regensburg, Univ. Regensburg); PubMed 32531858 (cited by Institute of Human Genetics, Univ. Regensburg, Univ. Regensburg); PubMed 32037395 (cited by Institute of Human Genetics, Univ. Regensburg, Univ. Regensburg); PubMed 32141364 (cited by Institute of Human Genetics, Univ. Regensburg, Univ. Regensburg); PubMed 34313030 (cited by Institute of Human Genetics, Univ. Regensburg, Univ. Regensburg); PubMed 34647987 (cited by Institute of Human Genetics, Univ. Regensburg, Univ. Regensburg); PubMed 34315337 (cited by Institute of Human Genetics, Univ. Regensburg, Univ. Regensburg); PubMed 34327195 (cited by Institute of Human Genetics, Univ. Regensburg, Univ. Regensburg); PubMed 34946930 (cited by Institute of Human Genetics, Univ. Regensburg, Univ. Regensburg); PubMed 33369172 (cited by Institute of Human Genetics, Univ. Regensburg, Univ. Regensburg); PubMed 34426522 (cited by Institute of Human Genetics, Univ. Regensburg, Univ. Regensburg); PubMed 34008801 (cited by Institute of Human Genetics, Univ. Regensburg, Univ. Regensburg); PubMed 33749171 (cited by Institute of Human Genetics, Univ. Regensburg, Univ. Regensburg); PubMed 33851411 (cited by Institute of Human Genetics, Univ. Regensburg, Univ. Regensburg); PubMed 35119454 (cited by Institute of Human Genetics, Univ. Regensburg, Univ. Regensburg); PubMed 35260635 (cited by Institute of Human Genetics, Univ. Regensburg, Univ. Regensburg); PubMed 36460718 (cited by Institute of Human Genetics, Univ. Regensburg, Univ. Regensburg); PubMed 35836572 (cited by Institute of Human Genetics, Univ. Regensburg, Univ. Regensburg); PubMed 35076026 (cited by Institute of Human Genetics, Univ. Regensburg, Univ. Regensburg); PubMed 36672815 (cited by Institute of Human Genetics, Univ. Regensburg, Univ. Regensburg); PubMed 28118664 (cited by Victorian Clinical Genetics Services, Murdoch Childrens Research Institute); PubMed 31522899 (cited by Victorian Clinical Genetics Services, Murdoch Childrens Research Institute); PubMed 27939946 (cited by Illumina Laboratory Services, Illumina); PubMed 11527935 (cited by Illumina Laboratory Services, Illumina); PubMed 12796258 (cited by OMIM); PubMed 28044389 (cited by Ophthalmo-Genetics Lab, Instituto de Oftalmologia Conde de Valenciana).